The following is an entry in ClinVar:

ClinVar aggregate classification (germline): Uncertain significance (1 of 4 stars; one submission).

Allele frequency attached by ClinVar (database versions not stated): gnomAD exomes below 0.00001; ExAC 0.00001.
gnomAD v4.1: 7 of 1,614,196 alleles (0.00043%); highest among the groups gnomAD compares: Non-Finnish European, 0.00051%; no homozygotes.

Submission:

GeneDx
Classification: Uncertain significance. Last evaluated: 2021-04-07. Review status: criteria provided, single submitter. Criteria: GeneDx Variant Classification Process June 2021. Collection method: clinical testing. Allele origin: germline. Affected: yes.
Comment: Not observed at a significant frequency in large population cohorts (Lek et al., 2016); In silico analysis supports that this missense variant has a deleterious effect on protein structure/function; Has not been previously published as pathogenic or benign to our knowledge

NM_000702.4(ATP1A2):c.1727C>T (p.Pro576Leu)

Gene: ATP1A2 (ATPase Na+/K+ transporting subunit alpha 2; plus strand). Cytogenetic location: 1q23.2.
Variant type: single nucleotide variant.
Coding change: c.1727C>T on transcript NM_000702.4 (MANE Select); coding-DNA position 1727, C replaced by T.
Protein change: p.Pro576Leu; replaces proline 576 with leucine.
Molecular consequence: missense variant.
Genome position (GRCh38, 1-based): chr1:160,130,497, C>T. VCF-style: chr1-160130497-C-T. GRCh37 (hg19) VCF-style: chr1-160100287-C-T.
Other names: short protein forms P576L.
Identifiers: ClinVar variation 1314424 (VCV001314424.2), dbSNP rs781581015, ClinGen allele CA1194571.
Genomic context (GRCh38, chr1:160,130,497, plus strand): 5'-ATCTGCCATCTGGAAAGTTTCCTCGGGGCTTCAAATTCGACACGGATGAGCTGAACTTTC[C>T]CACGGAGAAGCTTTGCTTTGTGGGGCTCATGTCTATGATTGACCCTCCCCGGGCTGCTGT-3'
Protein context (NP_000693.1, residues 566-586): FKFDTDELNF[Pro576Leu]TEKLCFVGLM